The following is an entry in ClinVar:

NM_001127898.4(CLCN5):c.620T>C (p.Ile207Thr)

Gene: CLCN5 (Cl-/H+ antiporter 5; plus strand). Cytogenetic location: Xp11.23.
Variant type: single nucleotide variant.
Coding change: c.620T>C on transcript NM_001127898.4 (MANE Select); coding-DNA position 620, T replaced by C.
Protein change: p.Ile207Thr; replaces isoleucine 207 with threonine.
Molecular consequence: missense variant. On other transcripts: non-coding transcript variant (1).
Genome position (GRCh38, 1-based): chrX:50,080,610, T>C. VCF-style: chrX-50080610-T-C. GRCh37 (hg19) VCF-style: chrX-49845267-T-C.
Other names: c.410T>C, p.Ile137Thr (NM_000084.5); c.620T>C, p.Ile207Thr (NM_001127899.4); c.470T>C, p.Ile157Thr (NM_001282163.2); c.632T>C, p.Ile211Thr (NM_001440756.1, NM_001440757.1); short protein forms I207T, I137T, I211T, I157T.
Identifiers: ClinVar variation 4991619 (VCV004991619.1).
Genomic context (GRCh38, chrX:50,080,610, plus strand): 5'-AAGCTGTCTAGGCTAAAACAAGCTTCTTTTTCCCCCTGTTCCAGGGAGCCTTTGCCTACA[T>C]AGTCAATTATTTCATGTACGTCCTCTGGGCTCTCCTATTTGCCTTCCTTGCCGTATCTCT-3'
Protein context (NP_001121370.1, residues 197-217): ISTDEGAFAY[Ile207Thr]VNYFMYVLWA

ClinVar aggregate classification (germline): Uncertain significance (1 of 4 stars; one submission).

Conditions:
CLCN5-related disorder. Also called: CLCN5-related condition.

Submission:

PreventionGenetics, part of Exact Sciences
Classification: Uncertain significance for CLCN5-related condition. Last evaluated: 2026-04-11. Review status: criteria provided, single submitter. Criteria: ACMG Guidelines, 2015. Collection method: clinical testing. Allele origin: germline.
Comment: The CLCN5 c.410T>C variant is predicted to result in the amino acid substitution p.Ile137Thr. To our knowledge, this variant has not been reported in the literature. This variant is reported in 0.0073% of alleles in individuals of East Asian descent in gnomAD. At this time, the clinical significance of this variant is uncertain due to the absence of conclusive functional and genetic evidence.